The following is an entry in ClinVar:

ClinVar aggregate classification (germline): Conflicting classifications of pathogenicity. Review status: criteria provided, conflicting classifications (1 of 4 stars). 10 submissions from 10 submitters: Uncertain significance (6); Likely benign (1). 3 of the submissions do not count toward it. Last evaluated 2025-11-22.

Conditions:
Breast and/or ovarian cancer. Identifiers: MedGen CN221562.
Hereditary breast ovarian cancer syndrome. Also called: Hereditary breast and ovarian cancer syndrome; Hereditary breast and ovarian cancer; Hereditary breast and ovarian cancer syndrome (HBOC); Breast and ovarian cancer; Hereditary breast and/or ovarian cancer syndrome; BRCA1- and BRCA2-Associated Hereditary Breast and Ovarian Cancer. Identifiers: Orphanet 145, MedGen C0677776, MeSH D061325, MONDO:0003582. Disease mechanism: loss of function.
Breast-ovarian cancer, familial, susceptibility to, 2 (BROVCA2). Also called: BRCA2 Hereditary Breast and Ovarian Cancer. Identifiers: Orphanet 145, MedGen C2675520, MONDO:0012933, OMIM 612555. Disease mechanism: loss of function.
Hereditary cancer-predisposing syndrome. Also called: Neoplastic Syndromes, Hereditary; Tumor predisposition; Hereditary neoplastic syndrome; Hereditary Cancer Syndrome. Identifiers: Orphanet 140162, MedGen C0027672, MeSH D009386, MONDO:0015356.
Malignant tumor of breast. Also called: Malignant breast neoplasm; Cancer breast. Identifiers: MedGen C0006142, MONDO:0007254. Disease mechanism: loss of function.
BRCA2-related cancer predisposition. Identifiers: MedGen CN377758, MONDO:0700269.

Allele frequency attached by ClinVar (database versions not stated): gnomAD exomes below 0.00001 and 0.00001.
gnomAD v4.1: 3 of 1,613,988 alleles (0.00019%); highest among the groups gnomAD compares: Non-Finnish European, 0.00025%; no homozygotes.

Submissions (10):

Labcorp Genetics (formerly Invitae), Labcorp
Classification: Uncertain significance for Hereditary breast ovarian cancer syndrome. Last evaluated: 2025-11-22. Review status: criteria provided, single submitter. Criteria: Invitae Variant Classification Sherloc (09022015). Collection method: clinical testing. Allele origin: germline.
Comment: This sequence change replaces asparagine, which is neutral and polar, with histidine, which is basic and polar, at codon 2266 of the BRCA2 protein (p.Asn2266His). This variant is present in population databases (rs80358905, gnomAD 0.0009%). This missense change has been observed in individual(s) with hereditary breast and ovarian cancer (HBOC) (PMID: 10923033, 27376475). ClinVar contains an entry for this variant (Variation ID: 52184). Invitae Evidence Modeling of protein sequence and biophysical properties (such as structural, functional, and spatial information, amino acid conservation, physicochemical variation, residue mobility, and thermodynamic stability) indicates that this missense variant is not expected to disrupt BRCA2 protein function with a negative predictive value of 95%. In summary, the available evidence is currently insufficient to determine the role of this variant in disease. Therefore, it has been classified as a Variant of Uncertain Significance.

Ambry Genetics
Classification: Uncertain significance for Hereditary cancer-predisposing syndrome. Last evaluated: 2025-10-28. Review status: criteria provided, single submitter. Criteria: Ambry Variant Classification Scheme 2023. Collection method: clinical testing. Allele origin: germline.
Comment: The p.N2266H variant (also known as c.6796A>C), located in coding exon 10 of the BRCA2 gene, results from an A to C substitution at nucleotide position 6796. The asparagine at codon 2266 is replaced by histidine, an amino acid with similar properties. This alteration was reported in a cohort of 402 hereditary breast and ovarian cancer patients (Schenkel LC et al. J Mol. Diagn. 2016 09;18:657-667). This amino acid position is well conserved in available vertebrate species. In addition, the in silico prediction for this alteration is inconclusive. Since supporting evidence is limited at this time, the clinical significance of this alteration remains unclear.

All of Us Research Program, National Institutes of Health
Classification: Uncertain significance for BRCA2-related cancer predisposition. Last evaluated: 2024-07-29. Review status: criteria provided, single submitter. Criteria: ACMG Guidelines, 2015. Collection method: clinical testing. Allele origin: germline. Inheritance: Autosomal dominant inheritance. Observed: 5 variant alleles, 5 heterozygotes.
Comment: This missense variant replaces asparagine with histidine at codon 2266 of the BRCA2 protein. Computational prediction suggests that this variant may not impact protein structure and function (internally defined REVEL score threshold <= 0.5, PMID: 27666373). Splice site prediction tools suggest that this variant may not impact RNA splicing. To our knowledge, functional studies have not been performed for this variant. This variant has been reported in an individual with personal or family history of breast and/or ovarian cancer (PMID: 27376475) and reported in three times in the Canadian Open Genetics Repository (PMID: 28726806). This variant has also been described in a multifactorial analysis with low prior probability of pathogenicity based on co-occurrence and family history likelihood ratios, however, it did not provide a definitive classification nor a posterior probability (PMID: 31131967). This variant has been identified in 1/250702 chromosomes in the general population by the Genome Aggregation Database (gnomAD). The available evidence is insufficient to determine the role of this variant in disease conclusively. Therefore, this variant is classified as a Variant of Uncertain Significance.

This study involves interpretation of variants in research participants for the purpose of population health screening. Participant phenotype was not available at the time of variant classification. Additional details can be found in publication PMID: 35346344, PMCID: PMC8962531

Color Diagnostics, LLC DBA Color Health
Classification: Uncertain significance for Hereditary cancer-predisposing syndrome. Last evaluated: 2023-08-14. Review status: criteria provided, single submitter. Criteria: ACMG Guidelines, 2015. Collection method: clinical testing. Allele origin: germline.
Comment: This missense variant replaces asparagine with histidine at codon 2266 of the BRCA2 protein. Computational prediction suggests that this variant may not impact protein structure and function (internally defined REVEL score threshold <= 0.5, PMID: 27666373). To our knowledge, functional studies have not been performed for this variant. This variant has been reported in an individual with personal or family history of breast and/or ovarian cancer (PMID: 27376475) and reported in three times in the Canadian Open Genetics Repository (PMID: 28726806). This variant has also been described in a multifactorial analysis with low prior probability of pathogenicity based on co-occurrence and family history likelihood ratios, however, it did not provide a definitive classification nor a posterior probability (PMID: 31131967). This variant has been identified in 1/250702 chromosomes in the general population by the Genome Aggregation Database (gnomAD). The available evidence is insufficient to determine the role of this variant in disease conclusively. Therefore, this variant is classified as a Variant of Uncertain Significance.

University of Washington Department of Laboratory Medicine, University of Washington
Classification: Likely benign for Hereditary cancer-predisposing syndrome. Last evaluated: 2023-03-23. Review status: criteria provided, single submitter. Criteria: Dines et al. (Genet Med. 2020). Collection method: curation. Allele origin: germline.
Comment: Missense variant in a coldspot region where missense variants are very unlikely to be pathogenic (PMID:31911673).

BRCA2 exon 11 coldspot. Reclassification based on statistical prior probability.

CHEO Genetics Diagnostic Laboratory, Children's Hospital of Eastern Ontario
Classification: Uncertain significance for Breast and/or ovarian cancer. Last evaluated: 2022-11-22. Review status: criteria provided, single submitter. Criteria: ACMG Guidelines, 2015. Collection method: clinical testing. Allele origin: germline.

GeneDx
Classification: Uncertain significance. Last evaluated: 2019-09-03. Review status: criteria provided, single submitter. Criteria: GeneDx Variant Classification Process June 2021. Collection method: clinical testing. Allele origin: germline. Affected: yes.
Comment: Not observed at a significant frequency in large population cohorts (Lek 2016); In silico analysis, which includes protein predictors and evolutionary conservation, supports that this variant does not alter protein structure/function; Observed in individuals with a personal or family history of breast and/or ovarian cancer (Schenkel 2016); This variant is associated with the following publications: (PMID: 27376475, 25348012)

Counsyl
Classification: Uncertain significance for Breast-ovarian cancer, familial, susceptibility to, 2. Last evaluated: 2015-12-10. Review status: no assertion criteria provided. Collection method: clinical testing. Allele origin: unknown. Not counted in ClinVar's aggregate classification.

Breast Cancer Information Core (BIC) (BRCA2)
Classification: Uncertain significance for Breast-ovarian cancer, familial 2. Last evaluated: 2003-12-23. Review status: no assertion criteria provided. Collection method: clinical testing. Allele origin: germline. Affected: yes. Observed: 3 variant alleles. Not counted in ClinVar's aggregate classification.

Department of Pathology and Laboratory Medicine, Sinai Health System
Classification: Uncertain significance for Malignant tumor of breast. Review status: no assertion criteria provided. Collection method: clinical testing. Allele origin: unknown. Affected: yes. Study: The Canadian Open Genetics Repository (COGR). Not counted in ClinVar's aggregate classification.
Comment: The p.Asn2266His variant has not been reported in the literature, but has been recorded in the UMD (x1) and BIC (x2) databases. The variant is listed in the dbSNP database (ID#:rs80358905) as coming from a "clinical source" but no frequency information was provided, and so the prevalence of this variant in the population is not known. This residue is conserved in mammals; however, computational analyses (PolyPhen, SIFT, AlignGVGD, BLOSUM) provide inconsistent predictions regarding the impact to the protein and this information is not very predictive of pathogenicity. In summary, based on the above information, the clinical significance of this variant cannot be determined with certainty at this time. This variant is classified as a variant of unknown significance.

Literature cited by the submitters: PubMed 10923033 (cited by Labcorp Genetics (formerly Invitae), Labcorp); PubMed 27376475 (cited by 4 submitters); PubMed 28726806 (cited by All of Us Research Program, National Institutes of Health and Color Diagnostics, LLC DBA Color Health); PubMed 31131967 (cited by All of Us Research Program, National Institutes of Health and Color Diagnostics, LLC DBA Color Health); PubMed 24817641 (cited by Counsyl).

NM_000059.4(BRCA2):c.6796A>C (p.Asn2266His)

Gene: BRCA2 (BRCA2 DNA repair associated; plus strand). Cytogenetic location: 13q13.1.
Variant type: single nucleotide variant.
Coding change: c.6796A>C on transcript NM_000059.4 (MANE Select); coding-DNA position 6796, A replaced by C.
Protein change: p.Asn2266His; replaces asparagine 2266 with histidine.
Molecular consequence: missense variant.
Genome position (GRCh38, 1-based): chr13:32,341,151, A>C. VCF-style: chr13-32341151-A-C. GRCh37 (hg19) VCF-style: chr13-32915288-A-C.
Other names: short protein forms N2266H.
Identifiers: ClinVar variation 52184 (VCV000052184.32), dbSNP rs80358905, ClinGen allele CA024409.